The following is an entry in ClinVar:

ClinVar aggregate classification (germline): Uncertain significance. Review status: criteria provided, multiple submitters, no conflicts (2 of 4 stars). 2 submissions from 2 submitters: Uncertain significance (2). Last evaluated 2022-11-01.

Conditions:
Episodic ataxia type 1 (EA1). Also called: MYOKYMIA WITH PERIODIC ATAXIA; PAROXYSMAL ATAXIA WITH NEUROMYOTONIA, HEREDITARY; ATAXIA, EPISODIC, WITH MYOKYMIA; Episodic ataxia/myokymia syndrome. Identifiers: Orphanet 37612, Orphanet 972, MedGen C1719788, MONDO:0008047, OMIM 160120.

gnomAD v4.1: 2 of 1,611,310 alleles (0.00012%); highest among the groups gnomAD compares: Non-Finnish European, 0.000085%; no homozygotes.

Submissions (2):

GeneDx
Classification: Uncertain significance. Last evaluated: 2022-11-01. Review status: criteria provided, single submitter. Criteria: GeneDx Variant Classification Process June 2021. Collection method: clinical testing. Allele origin: germline. Affected: yes.
Comment: Not observed at significant frequency in large population cohorts (gnomAD); In silico analysis supports that this missense variant does not alter protein structure/function; Has not been previously published as pathogenic or benign to our knowledge

Labcorp Genetics (formerly Invitae), Labcorp
Classification: Uncertain significance for Episodic ataxia type 1. Last evaluated: 2020-03-26. Review status: criteria provided, single submitter. Criteria: Invitae Variant Classification Sherloc (09022015). Collection method: clinical testing. Allele origin: germline.
Comment: In summary, the available evidence is currently insufficient to determine the role of this variant in disease. Therefore, it has been classified as a Variant of Uncertain Significance. Algorithms developed to predict the effect of missense changes on protein structure and function (SIFT, PolyPhen-2, Align-GVGD) all suggest that this variant is likely to be tolerated, but these predictions have not been confirmed by published functional studies and their clinical significance is uncertain. This variant has not been reported in the literature in individuals with KCNA1-related conditions. This variant is not present in population databases (ExAC no frequency). This sequence change replaces valine with leucine at codon 430 of the KCNA1 protein (p.Val430Leu). The valine residue is highly conserved and there is a small physicochemical difference between valine and leucine.

NM_000217.3(KCNA1):c.1288G>C (p.Val430Leu)

Gene: KCNA1 (potassium voltage-gated channel subfamily A member 1; plus strand). Cytogenetic location: 12p13.32.
Variant type: single nucleotide variant.
Coding change: c.1288G>C on transcript NM_000217.3 (MANE Select); coding-DNA position 1288, G replaced by C.
Protein change: p.Val430Leu; replaces valine 430 with leucine.
Molecular consequence: missense variant.
Genome position (GRCh38, 1-based): chr12:4,912,666, G>C. VCF-style: chr12-4912666-G-C. GRCh37 (hg19) VCF-style: chr12-5021832-G-C.
Other names: c.1288G>C (NM_000217.2); short protein forms V430L.
Identifiers: ClinVar variation 1058791 (VCV001058791.9), dbSNP rs749598869, ClinGen allele CA383456449.